The following is an entry in ClinVar:

NM_000421.5(KRT10):c.1593T>G (p.Gly531=)

Gene: KRT10 (keratin 10; minus strand). Cytogenetic location: 17q21.2.
Variant type: single nucleotide variant.
Coding change: c.1593T>G on transcript NM_000421.5 (MANE Select); coding-DNA position 1593, T replaced by G.
Protein change: p.Gly531=; no amino-acid change (glycine 531 retained).
Molecular consequence: synonymous variant.
Genome position (GRCh38, 1-based): chr17:40,818,942, A>C on the plus strand (T>G on the coding strand, the complement: KRT10 is on the minus strand). VCF-style: chr17-40818942-A-C. GRCh37 (hg19) VCF-style: chr17-38975194-A-C.
Other names: c.1593T>G, p.Gly531= (NM_001379366.1); c.1593T>G (NM_000421.3).
Identifiers: ClinVar variation 1558650 (VCV001558650.10), dbSNP rs750666264, ClinGen allele CA8547962.

ClinVar aggregate classification (germline): Benign/Likely benign. Review status: criteria provided, multiple submitters, no conflicts (2 of 4 stars). 3 submissions from 3 submitters: Benign (2); Likely benign (1). Last evaluated 2025-10-01.

Conditions:
KRT10-related disorder. Also called: KRT10-related condition.

Allele frequency attached by ClinVar (database versions not stated): ExAC 0.00043; gnomAD exomes 0.00129; gnomAD 0.00360.
gnomAD v4.1: 2,232 of 1,223,108 alleles (0.18%); highest among the groups gnomAD compares: Non-Finnish European, 0.2%; 8 homozygotes.

Submissions (3):

Labcorp Genetics (formerly Invitae), Labcorp
Classification: Benign. Last evaluated: 2025-10-01. Review status: criteria provided, single submitter. Criteria: Invitae Variant Classification Sherloc (09022015). Collection method: clinical testing. Allele origin: germline.

PreventionGenetics, part of Exact Sciences
Classification: Benign for KRT10-related condition. Last evaluated: 2025-07-27. Review status: criteria provided, single submitter. Criteria: ACMG Guidelines, 2015. Collection method: clinical testing. Allele origin: germline.
Comment: This variant is classified as benign based on ACMG/AMP sequence variant interpretation guidelines (Richards et al. 2015 PMID: 25741868, with internal and published modifications).

Blueprint Genetics
Classification: Likely benign. Last evaluated: 2024-11-15. Review status: criteria provided, single submitter. Criteria: ACMG Guidelines, 2015. Collection method: clinical testing. Allele origin: germline.